The following is an entry in ClinVar:

NM_018975.4(TERF2IP):c.47A>G (p.His16Arg)

Gene: TERF2IP (TERF2 interacting protein; plus strand). Cytogenetic location: 16q23.1.
Variant type: single nucleotide variant.
Coding change: c.47A>G on transcript NM_018975.4 (MANE Select); coding-DNA position 47, A replaced by G.
Protein change: p.His16Arg; replaces histidine 16 with arginine.
Molecular consequence: missense variant. On other transcripts: non-coding transcript variant (1).
Genome position (GRCh38, 1-based): chr16:75,647,929, A>G. VCF-style: chr16-75647929-A-G. GRCh37 (hg19) VCF-style: chr16-75681827-A-G.
Other names: short protein forms H16R.
Identifiers: ClinVar variation 2625596 (VCV002625596.2), dbSNP rs2507072235, ClinGen allele CA396817116.

ClinVar aggregate classification (germline): Uncertain significance (1 of 4 stars; one submission).

Allele frequency attached by ClinVar (database versions not stated): gnomAD exomes below 0.00001.

Submission:

Ambry Genetics
Classification: Uncertain significance. Last evaluated: 2023-09-05. Review status: criteria provided, single submitter. Criteria: Ambry Variant Classification Scheme 2023. Collection method: clinical testing. Allele origin: germline.
Comment: The p.H16R variant (also known as c.47A>G), located in coding exon 1 of the TERF2IP gene, results from an A to G substitution at nucleotide position 47. The histidine at codon 16 is replaced by arginine, an amino acid with highly similar properties. This amino acid position is conserved. In addition, this alteration is predicted to be tolerated by in silico analysis. Since supporting evidence is limited at this time, the clinical significance of this alteration remains unclear.